The following is an entry in ClinVar:

NM_024577.4(SH3TC2):c.852G>C (p.Lys284Asn)

Gene: SH3TC2 (SH3 domain and tetratricopeptide repeats 2; minus strand). Cytogenetic location: 5q32.
Variant type: single nucleotide variant.
Coding change: c.852G>C on transcript NM_024577.4 (MANE Select); coding-DNA position 852, G replaced by C.
Protein change: p.Lys284Asn; replaces lysine 284 with asparagine.
Molecular consequence: missense variant.
Genome position (GRCh38, 1-based): chr5:149,038,444, C>G on the plus strand (G>C on the coding strand, the complement: SH3TC2 is on the minus strand). VCF-style: chr5-149038444-C-G. GRCh37 (hg19) VCF-style: chr5-148418007-C-G.
Other names: short protein forms K284N.
Identifiers: ClinVar variation 1936471 (VCV001936471.3), dbSNP rs1171172528, ClinGen allele CA361673053.

ClinVar aggregate classification (germline): Uncertain significance. Review status: criteria provided, multiple submitters, no conflicts (2 of 4 stars). 2 submissions from 2 submitters: Uncertain significance (2). Last evaluated 2025-10-09.

Conditions:
Charcot-Marie-Tooth disease type 4. Also called: Charcot-Marie-Tooth, Type 4; Charcot-Marie-Tooth disease, type IV. Identifiers: Orphanet 64749, MedGen C4082197, MONDO:0018995.
SH3TC2-related disorder. Also called: SH3TC2-related condition; SH3TC2-related disorders. Identifiers: MedGen CN239303.

Allele frequency attached by ClinVar (database versions not stated): gnomAD 0.00001; TOPMed 0.00001.
gnomAD v4.1: 9 of 1,614,042 alleles (0.00056%); highest among the groups gnomAD compares: Middle Eastern, 0.033%; no homozygotes.

Submissions (2):

PreventionGenetics, part of Exact Sciences
Classification: Uncertain significance for SH3TC2-related condition. Last evaluated: 2025-10-09. Review status: criteria provided, single submitter. Criteria: ACMG Guidelines, 2015. Collection method: clinical testing. Allele origin: germline.
Comment: The SH3TC2 c.852G>C variant is predicted to result in the amino acid substitution p.Lys284Asn. To our knowledge, this variant has not been reported in the literature. This variant is reported in 0.00088% of alleles in individuals of European (non-Finnish) descent in gnomAD. At this time, the clinical significance of this variant is uncertain due to the absence of conclusive functional and genetic evidence.

Labcorp Genetics (formerly Invitae), Labcorp
Classification: Uncertain significance for Charcot-Marie-Tooth disease type 4. Last evaluated: 2022-11-01. Review status: criteria provided, single submitter. Criteria: Invitae Variant Classification Sherloc (09022015). Collection method: clinical testing. Allele origin: germline.
Comment: This sequence change replaces lysine, which is basic and polar, with asparagine, which is neutral and polar, at codon 284 of the SH3TC2 protein (p.Lys284Asn). This variant is present in population databases (no rsID available, gnomAD 0.0009%). This variant has not been reported in the literature in individuals affected with SH3TC2-related conditions. Advanced modeling of protein sequence and biophysical properties (such as structural, functional, and spatial information, amino acid conservation, physicochemical variation, residue mobility, and thermodynamic stability) performed at Invitae indicates that this missense variant is not expected to disrupt SH3TC2 protein function. In summary, the available evidence is currently insufficient to determine the role of this variant in disease. Therefore, it has been classified as a Variant of Uncertain Significance.